The following is an entry in ClinVar:

ClinVar aggregate classification (germline): Benign/Likely benign. Review status: criteria provided, multiple submitters, no conflicts (2 of 4 stars). 2 submissions from 2 submitters: Benign (1); Likely benign (1). Last evaluated 2025-02-01.

Allele frequency attached by ClinVar (database versions not stated): gnomAD below 0.00001 and 0.00006; TOPMed 0.00003; ESP Exome Variant Server 0.00008; 1000 Genomes Project 0.00020; gnomAD exomes 0.00025; ExAC 0.00026; 1000 Genomes Project 30x 0.00031.
gnomAD v4.1: 171 of 1,613,814 alleles (0.011%); highest among the groups gnomAD compares: South Asian, 0.13%; no homozygotes.

Submissions (2):

CeGaT Center for Human Genetics Tuebingen
Classification: Likely benign. Last evaluated: 2025-02-01. Review status: criteria provided, single submitter. Criteria: CeGaT Center For Human Genetics Tuebingen Variant Classification Criteria Version 2. Collection method: clinical testing. Allele origin: germline. Affected: yes. Observed: 1 variant allele.
Comment: ZNF148: BP4, BP7

Labcorp Genetics (formerly Invitae), Labcorp
Classification: Benign. Last evaluated: 2018-05-21. Review status: criteria provided, single submitter. Criteria: Invitae Variant Classification Sherloc (09022015). Collection method: clinical testing. Allele origin: germline.

NM_021964.3(ZNF148):c.1542G>A (p.Thr514=)

Gene: ZNF148 (zinc finger protein 148; minus strand). Cytogenetic location: 3q21.2.
Variant type: single nucleotide variant.
Coding change: c.1542G>A on transcript NM_021964.3 (MANE Select); coding-DNA position 1542, G replaced by A.
Protein change: p.Thr514=; no amino-acid change (threonine 514 retained).
Molecular consequence: synonymous variant.
Genome position (GRCh38, 1-based): chr3:125,233,184, C>T on the plus strand (G>A on the coding strand, the complement: ZNF148 is on the minus strand). VCF-style: chr3-125233184-C-T. GRCh37 (hg19) VCF-style: chr3-124952028-C-T.
Other names: c.1542G>A, p.Thr514= (NM_001348424.1, NM_001348425.2, NM_001348426.2 and 7 more transcripts); c.1416G>A, p.Thr472= (NM_001348434.2).
Identifiers: ClinVar variation 744276 (VCV000744276.16), dbSNP rs145905992, ClinGen allele CA2585236.